The following is an entry in ClinVar:

NM_000081.4(LYST):c.6882-7G>T

Gene: LYST (lysosomal trafficking regulator; minus strand). Cytogenetic location: 1q42.3.
Variant type: single nucleotide variant.
Coding change: c.6882-7G>T on transcript NM_000081.4 (MANE Select); 7 bases into the intron before coding-DNA position 6882, G replaced by T.
Molecular consequence: intron variant.
Genome position (GRCh38, 1-based): chr1:235,757,465, C>A on the plus strand (G>T on the coding strand, the complement: LYST is on the minus strand). VCF-style: chr1-235757465-C-A. GRCh37 (hg19) VCF-style: chr1-235920765-C-A.
Other names: p.?; c.6882-7G>T (NM_001301365.1).
Identifiers: ClinVar variation 706890 (VCV000706890.8), dbSNP rs771074733, ClinGen allele CA1466269.

ClinVar aggregate classification (germline): Likely benign. Review status: criteria provided, multiple submitters, no conflicts (2 of 4 stars). 2 submissions from 2 submitters: Likely benign (2). Last evaluated 2025-12-10.

Conditions:
Chédiak-Higashi syndrome (CHS). Also called: Chediak-Higashi Syndrome. Identifiers: Orphanet 167, MedGen C0007965, MONDO:0008963, OMIM 214500.

Allele frequency attached by ClinVar (database versions not stated): gnomAD 0.00001; ExAC 0.00002; gnomAD exomes 0.00002 and 0.00004; TOPMed 0.00002.
gnomAD v4.1: 38 of 1,611,870 alleles (0.0024%); highest among the groups gnomAD compares: Admixed American, 0.0033%; no homozygotes.

Submissions (2):

Labcorp Genetics (formerly Invitae), Labcorp
Classification: Likely benign for Chédiak-Higashi syndrome. Last evaluated: 2025-12-10. Review status: criteria provided, single submitter. Criteria: Invitae Variant Classification Sherloc (09022015). Collection method: clinical testing. Allele origin: germline.

Mayo Clinic Laboratories, Mayo Clinic
Classification: Likely benign. Last evaluated: 2025-04-09. Review status: criteria provided, single submitter. Criteria: ACMG Guidelines, 2015. Collection method: clinical testing. Allele origin: germline. Observed: 1 variant allele.
Comment: BP4, BP7